The following is an entry in ClinVar:

NM_000297.4(PKD2):c.1744A>G (p.Thr582Ala)

Gene: PKD2 (polycystin 2, transient receptor potential cation channel; plus strand). Cytogenetic location: 4q22.1.
Variant type: single nucleotide variant.
Coding change: c.1744A>G on transcript NM_000297.4 (MANE Select); coding-DNA position 1744, A replaced by G.
Protein change: p.Thr582Ala; replaces threonine 582 with alanine.
Molecular consequence: missense variant. On other transcripts: non-coding transcript variant (1).
Genome position (GRCh38, 1-based): chr4:88,056,113, A>G. VCF-style: chr4-88056113-A-G. GRCh37 (hg19) VCF-style: chr4-88977265-A-G.
Other names: c.1519A>G, p.Thr507Ala (NM_001440544.1); short protein forms T582A, T507A.
Identifiers: ClinVar variation 4750765 (VCV004750765.1).

ClinVar aggregate classification (germline): Uncertain significance (1 of 4 stars; one submission).

Conditions:
Autosomal dominant polycystic kidney disease. Identifiers: Orphanet 730, MedGen C0085413, MONDO:0004691.

gnomAD v4.1: 5 of 1,613,382 alleles (0.00031%); highest among the groups gnomAD compares: East Asian, 0.0022%; no homozygotes.

Submission:

Labcorp Genetics (formerly Invitae), Labcorp
Classification: Uncertain significance for Autosomal dominant polycystic kidney disease. Last evaluated: 2025-10-08. Review status: criteria provided, single submitter. Criteria: Invitae Variant Classification Sherloc (09022015). Collection method: clinical testing. Allele origin: germline.
Comment: This sequence change replaces threonine, which is neutral and polar, with alanine, which is neutral and non-polar, at codon 582 of the PKD2 protein (p.Thr582Ala). This variant is present in population databases (no rsID available, gnomAD 0.01%). This variant has not been reported in the literature in individuals affected with PKD2-related conditions. Invitae Evidence Modeling of protein sequence and biophysical properties (such as structural, functional, and spatial information, amino acid conservation, physicochemical variation, residue mobility, and thermodynamic stability) indicates that this missense variant is expected to disrupt PKD2 protein function with a positive predictive value of 80%. In summary, the available evidence is currently insufficient to determine the role of this variant in disease. Therefore, it has been classified as a Variant of Uncertain Significance.